The following is an entry in ClinVar:

ClinVar aggregate classification (germline): Uncertain significance. Review status: criteria provided, multiple submitters, no conflicts (2 of 4 stars). 2 submissions from 2 submitters: Uncertain significance (2). Last evaluated 2023-10-26.

Conditions:
Ataxia-telangiectasia syndrome (AT). Also called: Ataxia-telangiectasia, complementation group D; AT, COMPLEMENTATION GROUP C; Ataxia telangiectasia (A-T); Cerebello-oculocutaneous telangiectasia; Immunodeficiency with ataxia telangiectasia; ATAXIA-TELANGIECTASIA, COMPLEMENTATION GROUP A. Identifiers: Orphanet 100, MedGen C0004135, MONDO:0008840, OMIM 208900.
Hereditary cancer-predisposing syndrome. Also called: Neoplastic Syndromes, Hereditary; Hereditary neoplastic syndrome; Tumor predisposition; Hereditary Cancer Syndrome. Identifiers: Orphanet 140162, MedGen C0027672, MeSH D009386, MONDO:0015356.

Submissions (2):

Ambry Genetics
Classification: Uncertain significance for Hereditary cancer-predisposing syndrome. Last evaluated: 2023-10-26. Review status: criteria provided, single submitter. Criteria: Ambry Variant Classification Scheme 2023. Collection method: clinical testing. Allele origin: germline.
Comment: The c.5497-3T>C intronic variant results from a T to C substitution 3 nucleotides upstream from coding exon 36 in the ATM gene. This nucleotide position is highly conserved in available vertebrate species. In silico splice site analysis predicts that this alteration will not have any significant effect on splicing. Since supporting evidence is limited at this time, the clinical significance of this alteration remains unclear.

Labcorp Genetics (formerly Invitae), Labcorp
Classification: Uncertain significance for Ataxia-telangiectasia syndrome. Last evaluated: 2021-09-01. Review status: criteria provided, single submitter. Criteria: Invitae Variant Classification Sherloc (09022015). Collection method: clinical testing. Allele origin: germline.
Comment: This sequence change falls in intron 36 of the ATM gene. It does not directly change the encoded amino acid sequence of the ATM protein. It affects a nucleotide within the consensus splice site of the intron. This variant is not present in population databases (ExAC no frequency). This variant has not been reported in the literature in individuals affected with ATM-related conditions. Variants that disrupt the consensus splice site are a relatively common cause of aberrant splicing (PMID: 17576681, 9536098). Algorithms developed to predict the effect of sequence changes on RNA splicing suggest that this variant is not likely to affect RNA splicing. In summary, the available evidence is currently insufficient to determine the role of this variant in disease. Therefore, it has been classified as a Variant of Uncertain Significance.

Literature cited by the submitters: PubMed 17576681 (cited by Labcorp Genetics (formerly Invitae), Labcorp); PubMed 9536098 (cited by Labcorp Genetics (formerly Invitae), Labcorp).

NM_000051.4(ATM):c.5497-3T>C

Gene: ATM (ATM serine/threonine kinase; plus strand). Cytogenetic location: 11q22.3.
Variant type: single nucleotide variant.
Coding change: c.5497-3T>C on transcript NM_000051.4 (MANE Select); 3 bases into the intron before coding-DNA position 5497, T replaced by C.
Molecular consequence: intron variant.
Genome position (GRCh38, 1-based): chr11:108,304,672, T>C. VCF-style: chr11-108304672-T-C. GRCh37 (hg19) VCF-style: chr11-108175399-T-C.
Other names: c.5497-3T>C (NM_001351834.2).
Identifiers: ClinVar variation 660426 (VCV000660426.3), dbSNP rs1064795486, ClinGen allele CA915947631.
Genomic context (GRCh38, chr11:108,304,672, plus strand): 5'-AAAATGTATTAATTTTACTCATTTTTACTCAAACTATTGGGTGGATTTGTTTGTATATTC[T>C]AGGTGAAAACTGACTTTTGTCAGACTGTACTTCCATACTTGATTCATGATATTTTACTCC-3'